The following is an entry in ClinVar:

ClinVar aggregate classification (germline): Likely pathogenic (1 of 4 stars; one submission).

Submission:

Centre of Medical Genetics, University Hospital Muenster
Classification: Likely pathogenic. Last evaluated: 2022-02-10. Review status: criteria provided, single submitter. Criteria: ACMG Guidelines, 2015. Collection method: clinical testing. Allele origin: de novo. Affected: yes. Observed: 1 variant allele, 1 heterozygote.
Comment: ACMG categories: PS2,PM2,PP3,BP1

NM_172107.4(KCNQ2):c.757G>C (p.Ala253Pro)

Gene: KCNQ2 (potassium voltage-gated channel subfamily Q member 2; minus strand). Cytogenetic location: 20q13.33.
Variant type: single nucleotide variant.
Coding change: c.757G>C on transcript NM_172107.4 (MANE Select); coding-DNA position 757, G replaced by C.
Protein change: p.Ala253Pro; replaces alanine 253 with proline.
Molecular consequence: missense variant.
Genome position (GRCh38, 1-based): chr20:63,442,465, C>G on the plus strand (G>C on the coding strand, the complement: KCNQ2 is on the minus strand). VCF-style: chr20-63442465-C-G. GRCh37 (hg19) VCF-style: chr20-62073818-C-G.
Other names: c.757G>C, p.Ala253Pro (NM_001382235.1, NM_004518.6, NM_172106.3 and 2 more transcripts); short protein forms A253P.
Identifiers: ClinVar variation 1708357 (VCV001708357.2), dbSNP rs1057516093, ClinGen allele CA409653877.